The following is an entry in ClinVar:

ClinVar aggregate classification (germline): Likely benign. Review status: criteria provided, multiple submitters, no conflicts (2 of 4 stars). 3 submissions from 3 submitters: Likely benign (3). Last evaluated 2026-01-28.

Conditions:
MYBPC3-related disorder. Also called: MYBPC3-related disorders; MYBPC3-related condition; MYBPC3-related disease.
Cardiomyopathy (CMYO). Also called: Cardiomyopathies. Identifiers: Orphanet 167848, MedGen C0878544, MONDO:0004994, HP:0001638. Inheritance: Various modes of inheritance.
Hypertrophic cardiomyopathy. Also called: HYPERTROPHIC MYOCARDIOPATHY. Identifiers: Orphanet 217569, MedGen C0007194, MeSH D002312, MONDO:0005045, HP:0001639.

Allele frequency attached by ClinVar (database versions not stated): ExAC 0.00001; gnomAD 0.00001 and 0.00002; gnomAD exomes 0.00001; TOPMed 0.00001.
gnomAD v4.1: 38 of 1,498,770 alleles (0.0025%); highest among the groups gnomAD compares: Middle Eastern, 0.025%; no homozygotes.

Submissions (3):

PreventionGenetics, part of Exact Sciences
Classification: Likely benign for MYBPC3-related condition. Last evaluated: 2026-01-28. Review status: criteria provided, single submitter. Criteria: ACMG Guidelines, 2015. Collection method: clinical testing. Allele origin: germline.
Comment: This variant is classified as likely benign based on ACMG/AMP sequence variant interpretation guidelines (Richards et al. 2015 PMID: 25741868, with internal and published modifications).

Labcorp Genetics (formerly Invitae), Labcorp
Classification: Likely benign for Hypertrophic cardiomyopathy. Last evaluated: 2025-02-12. Review status: criteria provided, single submitter. Criteria: Invitae Variant Classification Sherloc (09022015). Collection method: clinical testing. Allele origin: germline.

Color Diagnostics, LLC DBA Color Health
Classification: Likely benign for Cardiomyopathy. Last evaluated: 2019-08-11. Review status: criteria provided, single submitter. Criteria: ACMG Guidelines, 2015. Collection method: clinical testing. Allele origin: germline.

NC_000011.10:g.47336021G>A

Gene: MYBPC3 (myosin binding protein C3; minus strand). Cytogenetic location: 11p11.2.
Variant type: single nucleotide variant.
Genome position: GRCh38 VCF-style: chr11-47336021-G-A. GRCh37 (hg19) VCF-style: chr11-47357572-G-A.
Other names: c.2603-10C>T (LRG_386t1, NM_000256.3).
Identifiers: ClinVar variation 237427 (VCV000237427.14), dbSNP rs765120057, ClinGen allele CA078846.
Genomic context (GRCh38, chr11:47,336,021, plus strand): 5'-TGGTGTCAGAGACGTCCTCTACTGCCAGGTGGGTGGGTTCGCTGGGGGGACCTGGGCAGA[G>A]GAGAGGTCAGAGAGGGGTCTGAGCAAGCCTGGGGAAGCTGGAGATCCATGCCCTAGACTC-3'